The following is an entry in ClinVar:

ClinVar aggregate classification (germline): Uncertain significance. Review status: criteria provided, multiple submitters, no conflicts (2 of 4 stars). 2 submissions from 2 submitters: Uncertain significance (2). Last evaluated 2024-02-28.

Conditions:
Inborn genetic diseases. Identifiers: MedGen C0950123, MeSH D030342.

Allele frequency attached by ClinVar (database versions not stated): gnomAD exomes 0.00003 and 0.00006; TOPMed 0.00004; gnomAD 0.00005; ExAC 0.00006.
gnomAD v4.1: 90 of 1,611,736 alleles (0.0056%); highest among the groups gnomAD compares: Non-Finnish European, 0.0073%; no homozygotes.

Submissions (2):

Ambry Genetics
Classification: Uncertain significance for Inborn genetic diseases. Last evaluated: 2024-02-28. Review status: criteria provided, single submitter. Criteria: Ambry Variant Classification Scheme 2023. Collection method: clinical testing. Allele origin: germline.

Labcorp Genetics (formerly Invitae), Labcorp
Classification: Uncertain significance. Last evaluated: 2022-06-13. Review status: criteria provided, single submitter. Criteria: Invitae Variant Classification Sherloc (09022015). Collection method: clinical testing. Allele origin: germline.
Comment: In summary, the available evidence is currently insufficient to determine the role of this variant in disease. Therefore, it has been classified as a Variant of Uncertain Significance. Algorithms developed to predict the effect of missense changes on protein structure and function are either unavailable or do not agree on the potential impact of this missense change (SIFT: "Deleterious"; PolyPhen-2: "Probably Damaging"; Align-GVGD: "Class C0"). This variant has not been reported in the literature in individuals affected with CNTNAP1-related conditions. This variant is present in population databases (rs766922644, gnomAD 0.008%). This sequence change replaces arginine, which is basic and polar, with histidine, which is basic and polar, at codon 1310 of the CNTNAP1 protein (p.Arg1310His).

NM_003632.3(CNTNAP1):c.3929G>A (p.Arg1310His)

Gene: CNTNAP1 (contactin associated protein 1; plus strand). Cytogenetic location: 17q21.2.
Variant type: single nucleotide variant.
Coding change: c.3929G>A on transcript NM_003632.3 (MANE Select); coding-DNA position 3929, G replaced by A.
Protein change: p.Arg1310His; replaces arginine 1310 with histidine.
Molecular consequence: missense variant.
Genome position (GRCh38, 1-based): chr17:42,698,684, G>A. VCF-style: chr17-42698684-G-A. GRCh37 (hg19) VCF-style: chr17-40850702-G-A.
Other names: c.3929G>A (NM_003632.2); short protein forms R1310H.
Identifiers: ClinVar variation 1363863 (VCV001363863.9), dbSNP rs766922644, ClinGen allele CA8582498.